The following is an entry in ClinVar:

ClinVar aggregate classification (germline): Conflicting classifications of pathogenicity. Review status: criteria provided, conflicting classifications (1 of 4 stars). 2 submissions from 2 submitters: Uncertain significance (1); Likely benign (1). Last evaluated 2025-11-14.

Allele frequency attached by ClinVar (database versions not stated): gnomAD 0.00006; TOPMed 0.00009; 1000 Genomes Project 30x 0.00031; 1000 Genomes Project 0.00040.
gnomAD v4.1: 56 of 1,613,638 alleles (0.0035%); highest among the groups gnomAD compares: Middle Eastern, 0.066%; no homozygotes.

Submissions (2):

Labcorp Genetics (formerly Invitae), Labcorp
Classification: Likely benign. Last evaluated: 2025-11-14. Review status: criteria provided, single submitter. Criteria: Invitae Variant Classification Sherloc (09022015). Collection method: clinical testing. Allele origin: germline.

CeGaT Center for Human Genetics Tuebingen
Classification: Uncertain significance. Last evaluated: 2023-11-01. Review status: criteria provided, single submitter. Criteria: CeGaT Center For Human Genetics Tuebingen Variant Classification Criteria Version 2. Collection method: clinical testing. Allele origin: germline. Affected: yes. Observed: 1 variant allele.
Comment: ZMIZ1: PM2:Supporting, BP4

NM_020338.4(ZMIZ1):c.2978C>T (p.Pro993Leu)

Gene: ZMIZ1 (zinc finger MIZ-type containing 1; plus strand). Cytogenetic location: 10q22.3.
Variant type: single nucleotide variant.
Coding change: c.2978C>T on transcript NM_020338.4 (MANE Select); coding-DNA position 2978, C replaced by T.
Protein change: p.Pro993Leu; replaces proline 993 with leucine.
Molecular consequence: missense variant.
Genome position (GRCh38, 1-based): chr10:79,311,066, C>T. VCF-style: chr10-79311066-C-T. GRCh37 (hg19) VCF-style: chr10-81070823-C-T.
Other names: short protein forms P993L.
Identifiers: ClinVar variation 2419398 (VCV002419398.29), dbSNP rs201734007, ClinGen allele CA5573163.